The following is an entry in ClinVar:

NM_021098.3(CACNA1H):c.804-198C>T

Gene: CACNA1H (calcium voltage-gated channel subunit alpha1 H; plus strand). Cytogenetic location: 16p13.3.
Variant type: single nucleotide variant.
Coding change: c.804-198C>T on transcript NM_021098.3 (MANE Select); 198 bases into the intron before coding-DNA position 804, C replaced by T.
Molecular consequence: intron variant.
Genome position (GRCh38, 1-based): chr16:1,200,058, C>T. VCF-style: chr16-1200058-C-T. GRCh37 (hg19) VCF-style: chr16-1250058-C-T.
Other names: c.804-198C>T (NM_001005407.2).
Identifiers: ClinVar variation 1706709 (VCV001706709.2), dbSNP rs115584807, ClinGen allele CA276645149.

ClinVar aggregate classification (germline): Likely benign (1 of 4 stars; one submission).

Allele frequency attached by ClinVar (database versions not stated): 1000 Genomes Project 0.00879; 1000 Genomes Project 30x 0.00890.
gnomAD v4.1: 981 of 152,222 alleles (0.64%); highest among the groups gnomAD compares: African/African-American, 2.2%; 9 homozygotes.

Submission:

GeneDx
Classification: Likely benign. Last evaluated: 2020-03-07. Review status: criteria provided, single submitter. Criteria: GeneDx Variant Classification Process June 2021. Collection method: clinical testing. Allele origin: germline. Affected: yes.
Comment: See Variant Classification Assertion Criteria.